The following is an entry in ClinVar:

NM_004260.4(RECQL4):c.2557TGCACC[4] (p.853CT[4])

Gene: RECQL4 (RecQ like helicase 4; minus strand). Cytogenetic location: 8q24.3.
Variant type: Microsatellite.
Coding change: c.2557TGCACC[4] on transcript NM_004260.4 (MANE Select); four copies in a row of the 6-base unit TGCACC starting at c.2557; the reference has three copies in a row; one copy, 6 bases duplicated; also written c.2569_2574dup.
Protein change: p.853CT[4].
Molecular consequence: inframe insertion.
Genome position (GRCh38, 1-based): chr8:144,513,028-144,513,033, GGTGCA duplicated on the plus strand (TGCACC on the coding strand, the reverse complement: RECQL4 is on the minus strand); duplicating any 6 consecutive bases within chr8:144,513,028-144,513,047 gives the same sequence; the position shown is the placement nearest the transcript's 3' end. VCF-style (leftmost placement, unchanged base first): chr8-144513027-T-TGGTGCA. GRCh37 (hg19) VCF-style: chr8-145738410-T-TGGTGCA.
Other names: c.2569_2574dup6 (NM_004260.3); c.2574_2575insTGCACC (NM_004260.4); c.2569_2574dup (NM_004260.4, NM_004260.3).
Identifiers: ClinVar variation 239738 (VCV000239738.63), dbSNP rs548804317, ClinGen allele CA201208.

ClinVar aggregate classification (germline): Benign/Likely benign. Review status: criteria provided, multiple submitters, no conflicts (2 of 4 stars). 13 submissions from 12 submitters: Benign (2); Likely benign (10). 1 of the submissions does not count toward it. Last evaluated 2026-06-01.

Conditions:
RECQL4-related disorder. Also called: RECQL4-related disorders; RECQL4-related condition.
Hereditary cancer-predisposing syndrome. Also called: Tumor predisposition; Hereditary Cancer Syndrome; Neoplastic Syndromes, Hereditary; Hereditary neoplastic syndrome. Identifiers: Orphanet 140162, MedGen C0027672, MeSH D009386, MONDO:0015356.
Baller-Gerold syndrome (BGS). Also called: CRANIOSYNOSTOSIS WITH RADIAL DEFECTS. Identifiers: Orphanet 1225, MedGen C0265308, MONDO:0009039, OMIM 218600.
Familial meningioma. Also called: Meningioma, familial, susceptibility to. Identifiers: Orphanet 263662, MedGen C3551915, MONDO:0011789, OMIM 607174.
Rothmund-Thomson syndrome type 2 (RTS2). Identifiers: Orphanet 221016, MedGen C5203410, MONDO:0016369, OMIM 268400.
Rapadilino syndrome. Identifiers: Orphanet 3021, MedGen C1849453, MONDO:0009955, OMIM 266280.

Submissions (13):

CeGaT Center for Human Genetics Tuebingen
Classification: Likely benign. Last evaluated: 2026-06-01. Review status: criteria provided, single submitter. Criteria: CeGaT Center For Human Genetics Tuebingen Variant Classification Criteria Version 2. Collection method: clinical testing. Allele origin: germline. Affected: yes. Observed: 13 variant alleles.
Comment: RECQL4: PM4, BS1, BS2

Labcorp Genetics (formerly Invitae), Labcorp
Classification: Benign for Baller-Gerold syndrome. Last evaluated: 2026-01-27. Review status: criteria provided, single submitter. Criteria: Invitae Variant Classification Sherloc (09022015). Collection method: clinical testing. Allele origin: germline.

Dr. Guy Rouleau's laboratory, McGill University
Classification: Likely benign for Familial meningioma. Last evaluated: 2025-03-22. Review status: criteria provided, single submitter. Criteria: ACMG Guidelines, 2015. Collection method: research. Allele origin: germline. Affected: yes.
Comment: This variant is an inframe duplication of Cys857_Thr858dup in RECQL4 gene. This variant has been predicted as benign by several bioinformatic tools and has been reported in population database (gnomAD v2.1.1 allele frequency =0.002169, exome coverage 35X). This variant has an entry in Clinvar ID: 239738 and has been reported in Rothmund–Thomson disease (PMID: 27247962).

KCCC/NGS Laboratory, Kuwait Cancer Control Center
Classification: Benign for Rapadilino syndrome. Last evaluated: 2025-02-01. Review status: criteria provided, single submitter. Criteria: ACMG Guidelines, 2015. Collection method: clinical testing. Allele origin: germline. Affected: no.

Blueprint Genetics
Classification: Likely benign. Last evaluated: 2024-11-27. Review status: criteria provided, single submitter. Criteria: ACMG Guidelines, 2015. Collection method: clinical testing. Allele origin: germline.

KCCC/NGS Laboratory, Kuwait Cancer Control Center
Classification: Likely benign for Rothmund-Thomson syndrome type 2. Last evaluated: 2023-07-07. Review status: criteria provided, single submitter. Criteria: ACMG Guidelines, 2015. Collection method: clinical testing. Allele origin: germline. Affected: yes.

Genetic Services Laboratory, University of Chicago
Classification: Likely benign. Last evaluated: 2021-09-13. Review status: criteria provided, single submitter. Criteria: ACMG Guidelines, 2015. Collection method: clinical testing. Allele origin: germline. Affected: no.

Sema4
Classification: Likely benign for Hereditary cancer-predisposing syndrome. Last evaluated: 2021-05-02. Review status: criteria provided, single submitter. Criteria: Sema4 Curation Guidelines. Collection method: curation. Allele origin: germline.

GeneDx
Classification: Likely benign. Last evaluated: 2020-11-27. Review status: criteria provided, single submitter. Criteria: GeneDx Variant Classification Process June 2021. Collection method: clinical testing. Allele origin: germline. Affected: yes.
Comment: This variant is associated with the following publications: (PMID: 27247962)

Department of Pathology and Laboratory Medicine, Sinai Health System
Classification: Likely benign for Baller-Gerold syndrome; Rapadilino syndrome; Rothmund-Thomson syndrome type 2. Last evaluated: 2019-06-04. Review status: criteria provided, single submitter. Criteria: ACMG Guidelines, 2015. Collection method: research. Allele origin: germline.

Center for Pediatric Genomic Medicine, Children's Mercy Hospital and Clinics
Classification: Likely benign. Last evaluated: 2016-12-05. Review status: criteria provided, single submitter. Criteria: ACMG Guidelines, 2015. Collection method: clinical testing. Allele origin: germline.
ClinVar note: Converted during submission from Likely Benign to Likely benign.

Eurofins Ntd Llc (ga)
Classification: Likely benign. Last evaluated: 2015-06-09. Review status: criteria provided, single submitter. Criteria: EGL Classification Definitions. Collection method: clinical testing. Allele origin: germline. Observed: 1 variant allele, 1 heterozygote.

PreventionGenetics, part of Exact Sciences
Classification: Benign for RECQL4-related condition. Last evaluated: 2019-05-22. Review status: no assertion criteria provided. Collection method: clinical testing. Allele origin: germline. Not counted in ClinVar's aggregate classification.
Comment: This variant is classified as benign based on ACMG/AMP sequence variant interpretation guidelines (Richards et al. 2015 PMID: 25741868, with internal and published modifications).

Literature cited by the submitters: PubMed 27247962 (cited by Dr. Guy Rouleau's laboratory, McGill University and Sema4); PubMed 28873162 (cited by Sema4).